The following is an entry in ClinVar:

NM_020937.4(FANCM):c.4012A>C (p.Ser1338Arg)

Gene: FANCM (FA complementation group M; plus strand). Cytogenetic location: 14q21.2.
Variant type: single nucleotide variant.
Coding change: c.4012A>C on transcript NM_020937.4 (MANE Select); coding-DNA position 4012, A replaced by C.
Protein change: p.Ser1338Arg; replaces serine 1338 with arginine.
Molecular consequence: missense variant.
Genome position (GRCh38, 1-based): chr14:45,176,766, A>C. VCF-style: chr14-45176766-A-C. GRCh37 (hg19) VCF-style: chr14-45645969-A-C.
Other names: c.3934A>C, p.Ser1312Arg (NM_001308133.2); short protein forms S1312R, S1338R.
Identifiers: ClinVar variation 3848665 (VCV003848665.1).

ClinVar aggregate classification (germline): Uncertain significance (1 of 4 stars; one submission).

Conditions:
Inborn genetic diseases. Identifiers: MedGen C0950123, MeSH D030342.

Submission:

Ambry Genetics
Classification: Uncertain significance for Inborn genetic diseases. Last evaluated: 2025-01-27. Review status: criteria provided, single submitter. Criteria: Ambry Variant Classification Scheme 2023. Collection method: clinical testing. Allele origin: germline.
Comment: The p.S1338R variant (also known as c.4012A>C), located in coding exon 14 of the FANCM gene, results from an A to C substitution at nucleotide position 4012. The serine at codon 1338 is replaced by arginine, an amino acid with dissimilar properties. This amino acid position is conserved. In addition, the in silico prediction for this alteration is inconclusive. Based on the available evidence, the clinical significance of this variant remains unclear.